The following is an entry in ClinVar:

ClinVar aggregate classification (germline): Pathogenic/Likely pathogenic. Review status: criteria provided, multiple submitters, no conflicts (2 of 4 stars). 2 submissions from 2 submitters: Pathogenic (1); Likely pathogenic (1). Last evaluated 2023-02-06.

Conditions:
LRP5-related disorder. Also called: LRP5-related condition.

Submissions (2):

Labcorp Genetics (formerly Invitae), Labcorp
Classification: Pathogenic. Last evaluated: 2023-02-06. Review status: criteria provided, single submitter. Criteria: Invitae Variant Classification Sherloc (09022015). Collection method: clinical testing. Allele origin: germline.
Comment: For these reasons, this variant has been classified as Pathogenic. ClinVar contains an entry for this variant (Variation ID: 865980). This variant has not been reported in the literature in individuals affected with LRP5-related conditions. This variant is not present in population databases (gnomAD no frequency). This sequence change creates a premature translational stop signal (p.Ser1484Argfs*15) in the LRP5 gene. It is expected to result in an absent or disrupted protein product. Loss-of-function variants in LRP5 are known to be pathogenic (PMID: 11719191, 16252235, 25711638).

Blueprint Genetics
Classification: Likely pathogenic for LRP5-related disorders. Last evaluated: 2019-07-20. Review status: criteria provided, single submitter. Criteria: ACMG Guidelines, 2015. Collection method: clinical testing. Allele origin: germline. Affected: yes. Observed: 2 variant alleles.

Literature cited by the submitters: PubMed 11719191 (cited by Labcorp Genetics (formerly Invitae), Labcorp); PubMed 16252235 (cited by Labcorp Genetics (formerly Invitae), Labcorp); PubMed 25711638 (cited by Labcorp Genetics (formerly Invitae), Labcorp).

NM_002335.4(LRP5):c.4452del (p.Ser1484fs)

Gene: LRP5 (LDL receptor related protein 5; plus strand). Cytogenetic location: 11q13.2.
Variant type: Deletion.
Coding change: c.4452del on transcript NM_002335.4 (MANE Select); coding-DNA position 4452, one base deleted (C; older notation c.4452delC).
Protein change: p.Ser1484fs; shifts the reading frame from serine 1484.
Molecular consequence: frameshift variant.
Genome position (GRCh38, 1-based): chr11:68,439,880, C deleted. VCF-style (leftmost placement, unchanged base first): chr11-68439879-GC-G. GRCh37 (hg19) VCF-style: chr11-68207347-GC-G.
Other names: c.2709del, p.Ser903fs (NM_001291902.2); short protein forms S1484fs, S903fs.
Identifiers: ClinVar variation 865980 (VCV000865980.8), dbSNP rs2098677212, ClinGen allele CA916083255.